The following is an entry in ClinVar:

ClinVar aggregate classification (germline): Uncertain significance. Review status: criteria provided, multiple submitters, no conflicts (2 of 4 stars). 2 submissions from 2 submitters: Uncertain significance (2). Last evaluated 2025-02-15.

Conditions:
Hereditary cancer-predisposing syndrome. Also called: Hereditary neoplastic syndrome; Neoplastic Syndromes, Hereditary; Tumor predisposition; Hereditary Cancer Syndrome. Identifiers: Orphanet 140162, MedGen C0027672, MeSH D009386, MONDO:0015356.
Cardiovascular phenotype. Identifiers: MedGen CN230736.
Neurofibromatosis, type 1 (NF1). Also called: VON RECKLINGHAUSEN DISEASE; NEUROFIBROMATOSIS, TYPE I, SOMATIC; Peripheral type neurofibromatosis; Neurofibromatosis, type I. Identifiers: Orphanet 636, MedGen C0027831, MONDO:0018975, OMIM 162200. Disease mechanism: loss of function.

Submissions (2):

Ambry Genetics
Classification: Uncertain significance for Cardiovascular phenotype; Hereditary cancer-predisposing syndrome. Last evaluated: 2025-02-15. Review status: criteria provided, single submitter. Criteria: Ambry Variant Classification Scheme 2023. Collection method: clinical testing. Allele origin: germline.
Comment: The p.M1162L variant (also known as c.3484A>T), located in coding exon 26 of the NF1 gene, results from an A to T substitution at nucleotide position 3484. The methionine at codon 1162 is replaced by leucine, an amino acid with highly similar properties. This alteration was identified in a cohort of 524 Chinese breast cancer patients (Chen B et al. Aging (Albany NY), 2020 Feb;12:3140-3155). This amino acid position is highly conserved in available vertebrate species. In addition, the in silico prediction for this alteration is inconclusive. Based on the available evidence, the clinical significance of this variant remains unclear.

Labcorp Genetics (formerly Invitae), Labcorp
Classification: Uncertain significance for Neurofibromatosis, type 1. Last evaluated: 2025-01-14. Review status: criteria provided, single submitter. Criteria: Invitae Variant Classification Sherloc (09022015). Collection method: clinical testing. Allele origin: germline.
Comment: This sequence change replaces methionine, which is neutral and non-polar, with leucine, which is neutral and non-polar, at codon 1162 of the NF1 protein (p.Met1162Leu). This variant is present in population databases (rs773968270, gnomAD 0.006%). This variant has not been reported in the literature in individuals affected with NF1-related conditions. ClinVar contains an entry for this variant (Variation ID: 1041775). Invitae Evidence Modeling of protein sequence and biophysical properties (such as structural, functional, and spatial information, amino acid conservation, physicochemical variation, residue mobility, and thermodynamic stability) has been performed for this missense variant. However, the output from this modeling did not meet the statistical confidence thresholds required to predict the impact of this variant on NF1 protein function. In summary, the available evidence is currently insufficient to determine the role of this variant in disease. Therefore, it has been classified as a Variant of Uncertain Significance.

Literature cited by the submitters: PubMed 32091409 (cited by Ambry Genetics).

NM_001042492.3(NF1):c.3484A>T (p.Met1162Leu)

Gene: NF1 (neurofibromin 1; plus strand). Cytogenetic location: 17q11.2.
Variant type: single nucleotide variant.
Coding change: c.3484A>T on transcript NM_001042492.3 (MANE Select); coding-DNA position 3484, A replaced by T.
Protein change: p.Met1162Leu; replaces methionine 1162 with leucine.
Molecular consequence: missense variant.
Genome position (GRCh38, 1-based): chr17:31,232,869, A>T. VCF-style: chr17-31232869-A-T. GRCh37 (hg19) VCF-style: chr17-29559887-A-T.
Other names: c.3484A>T, p.Met1162Leu (NM_000267.4); short protein forms M1162L.
Identifiers: ClinVar variation 1041775 (VCV001041775.8), dbSNP rs773968270, ClinGen allele CA8486167.
Genomic context (GRCh38, chr17:31,232,869, plus strand): 5'-AGGCACTGTACGGTCCTTGCAATGTCAAACTTACTCAATGCCAACGTAGACAGTGGTCTC[A>T]TGCACTCCATAGGTGAGATCAAATGAAAGTTTCATATAGAAATACAAAACCTAGAGAACT-3'
Protein context (NP_001035957.1, residues 1152-1172): LLNANVDSGL[Met1162Leu]HSIGLGYHKD